The following is an entry in ClinVar:

NM_022124.6(CDH23):c.2936G>A (p.Ser979Asn)

Gene: CDH23 (cadherin related 23; plus strand). Cytogenetic location: 10q22.1.
Variant type: single nucleotide variant.
Coding change: c.2936G>A on transcript NM_022124.6 (MANE Select); coding-DNA position 2936, G replaced by A.
Protein change: p.Ser979Asn; replaces serine 979 with asparagine.
Molecular consequence: missense variant.
Genome position (GRCh38, 1-based): chr10:71,705,113, G>A. VCF-style: chr10-71705113-G-A. GRCh37 (hg19) VCF-style: chr10-73464870-G-A.
Other names: c.2936G>A, p.Ser979Asn (NM_001171930.2, NM_001171931.2); short protein forms S979N.
Identifiers: ClinVar variation 2499331 (VCV002499331.2), dbSNP rs1278297566, ClinGen allele CA377140025.
Genomic context (GRCh38, chr10:71,705,113, plus strand): 5'-CGGAGTACCAGCTGCGGGTGGTGGCCAGTGATGCAGGCACGCCCACCAAGAGCTCCACCA[G>A]CACGCTCACCATCCATGGTGAGGGGGCGCAGGGGCTTCTGCTGTGTGCTCAGTGTGTGGG-3'
Protein context (NP_071407.4, residues 969-989): DAGTPTKSST[Ser979Asn]TLTIHVLDVN

ClinVar aggregate classification (germline): Uncertain significance. Review status: criteria provided, multiple submitters, no conflicts (2 of 4 stars). 2 submissions from 2 submitters: Uncertain significance (2). Last evaluated 2024-07-14.

Conditions:
Inborn genetic diseases. Identifiers: MedGen C0950123, MeSH D030342.

Allele frequency attached by ClinVar (database versions not stated): gnomAD exomes below 0.00001; gnomAD 0.00001; TOPMed 0.00001.
gnomAD v4.1: 3 of 1,610,270 alleles (0.00019%); highest among the groups gnomAD compares: Non-Finnish European, 0.00025%; no homozygotes.

Submissions (2):

Ambry Genetics
Classification: Uncertain significance for Inborn genetic diseases. Last evaluated: 2024-07-14. Review status: criteria provided, single submitter. Criteria: Ambry Variant Classification Scheme 2023. Collection method: clinical testing. Allele origin: germline.

GeneDx
Classification: Uncertain significance. Last evaluated: 2022-10-12. Review status: criteria provided, single submitter. Criteria: GeneDx Variant Classification Process June 2021. Collection method: clinical testing. Allele origin: germline. Affected: yes.
Comment: Not observed at significant frequency in large population cohorts (gnomAD); In silico analysis supports that this missense variant has a deleterious effect on protein structure/function; Has not been previously published as pathogenic or benign to our knowledge